The following is an entry in ClinVar:

ClinVar aggregate classification (germline): Uncertain significance (1 of 4 stars; one submission).

Allele frequency attached by ClinVar (database versions not stated): gnomAD exomes below 0.00001.
gnomAD v4.1: 3 of 1,613,960 alleles (0.00019%); highest among the groups gnomAD compares: Admixed American, 0.0017%; no homozygotes.

Submission:

Labcorp Genetics (formerly Invitae), Labcorp
Classification: Uncertain significance. Last evaluated: 2019-12-18. Review status: criteria provided, single submitter. Criteria: Invitae Variant Classification Sherloc (09022015). Collection method: clinical testing. Allele origin: germline.
Comment: In summary, the available evidence is currently insufficient to determine the role of this variant in disease. Therefore, it has been classified as a Variant of Uncertain Significance. Algorithms developed to predict the effect of missense changes on protein structure and function are either unavailable or do not agree on the potential impact of this missense change (SIFT: "Tolerated"; PolyPhen-2: "Benign"; Align-GVGD: "Class C0"). This variant has not been reported in the literature in individuals with CCT2-related conditions. This variant is not present in population databases (ExAC no frequency). This sequence change replaces histidine with tyrosine at codon 178 of the CCT2 protein (p.His178Tyr). The histidine residue is highly conserved and there is a moderate physicochemical difference between histidine and tyrosine.

NM_006431.3(CCT2):c.532C>T (p.His178Tyr)

Gene: CCT2 (chaperonin containing TCP1 subunit 2; plus strand). Cytogenetic location: 12q15.
Variant type: single nucleotide variant.
Coding change: c.532C>T on transcript NM_006431.3 (MANE Select); coding-DNA position 532, C replaced by T.
Protein change: p.His178Tyr; replaces histidine 178 with tyrosine.
Molecular consequence: missense variant.
Genome position (GRCh38, 1-based): chr12:69,589,570, C>T. VCF-style: chr12-69589570-C-T. GRCh37 (hg19) VCF-style: chr12-69983350-C-T.
Other names: c.391C>T, p.His131Tyr (NM_001198842.2); short protein forms H131Y, H178Y.
Identifiers: ClinVar variation 841930 (VCV000841930.9), dbSNP rs1019099160, ClinGen allele CA239119051.